The following is an entry in ClinVar:

NM_001079855.2(GYG2):c.1399C>G (p.Arg467Gly)

Gene: GYG2 (glycogenin 2; plus strand). Cytogenetic location: Xp22.33.
Variant type: single nucleotide variant.
Coding change: c.1399C>G on transcript NM_001079855.2 (MANE Select); coding-DNA position 1399, C replaced by G.
Protein change: p.Arg467Gly; replaces arginine 467 with glycine.
Molecular consequence: missense variant.
Genome position (GRCh38, 1-based): chrX:2,881,199, C>G. VCF-style: chrX-2881199-C-G. GRCh37 (hg19) VCF-style: chrX-2799240-C-G.
Other names: c.1396C>G, p.Arg466Gly (NM_001184702.2); c.1279C>G, p.Arg427Gly (NM_001184703.2); c.721C>G, p.Arg241Gly (NM_001184704.2); c.1492C>G, p.Arg498Gly (NM_003918.3); short protein forms R467G, R427G, R466G, R241G, R498G.
Identifiers: ClinVar variation 2397978 (VCV002397978.26), dbSNP rs141440542, ClinGen allele CA10337346.

ClinVar aggregate classification (germline): Uncertain significance. Review status: criteria provided, multiple submitters, no conflicts (2 of 4 stars). 3 submissions from 3 submitters: Uncertain significance (3). Last evaluated 2025-04-08.

Allele frequency attached by ClinVar (database versions not stated): gnomAD 0.00002; ExAC 0.00006; TOPMed 0.00010; ESP Exome Variant Server 0.00028.
gnomAD v4.1: 90 of 1,187,094 alleles (0.0076%); highest among the groups gnomAD compares: Non-Finnish European, 0.0094%; no homozygotes.

Submissions (3):

Ambry Genetics
Classification: Uncertain significance. Last evaluated: 2025-04-08. Review status: criteria provided, single submitter. Criteria: Ambry Variant Classification Scheme 2023. Collection method: clinical testing. Allele origin: germline.

Labcorp Genetics (formerly Invitae), Labcorp
Classification: Uncertain significance. Last evaluated: 2024-09-16. Review status: criteria provided, single submitter. Criteria: Invitae Variant Classification Sherloc (09022015). Collection method: clinical testing. Allele origin: germline.
Comment: This sequence change replaces arginine, which is basic and polar, with glycine, which is neutral and non-polar, at codon 498 of the GYG2 protein (p.Arg498Gly). This variant is present in population databases (rs141440542, gnomAD 0.01%). This variant has not been reported in the literature in individuals affected with GYG2-related conditions. ClinVar contains an entry for this variant (Variation ID: 2397978). An algorithm developed to predict the effect of missense changes on protein structure and function (PolyPhen-2) suggests that this variant is likely to be disruptive. In summary, the available evidence is currently insufficient to determine the role of this variant in disease. Therefore, it has been classified as a Variant of Uncertain Significance.

CeGaT Center for Human Genetics Tuebingen
Classification: Uncertain significance. Last evaluated: 2024-02-01. Review status: criteria provided, single submitter. Criteria: CeGaT Center For Human Genetics Tuebingen Variant Classification Criteria Version 2. Collection method: clinical testing. Allele origin: germline. Affected: yes. Observed: 1 variant allele.